The following is an entry in ClinVar:

ClinVar aggregate classification (germline): Uncertain significance (1 of 4 stars; one submission).

Conditions:
Hereditary diffuse gastric adenocarcinoma (HDGC). Also called: DIFFUSE GASTRIC AND LOBULAR BREAST CANCER SYNDROME. Identifiers: Orphanet 26106, MedGen C1708349, MONDO:0007648, OMIM 137215.

Submission:

Labcorp Genetics (formerly Invitae), Labcorp
Classification: Uncertain significance for Hereditary diffuse gastric adenocarcinoma. Last evaluated: 2023-11-08. Review status: criteria provided, single submitter. Criteria: Invitae Variant Classification Sherloc (09022015). Collection method: clinical testing. Allele origin: germline.
Comment: This sequence change replaces lysine, which is basic and polar, with glutamic acid, which is acidic and polar, at codon 397 of the CDH1 protein (p.Lys397Glu). This variant is not present in population databases (gnomAD no frequency). This variant has not been reported in the literature in individuals affected with CDH1-related conditions. An algorithm developed to predict the effect of missense changes on protein structure and function (PolyPhen-2) suggests that this variant is likely to be tolerated. In summary, the available evidence is currently insufficient to determine the role of this variant in disease. Therefore, it has been classified as a Variant of Uncertain Significance.

NM_004360.5(CDH1):c.1189A>G (p.Lys397Glu)

Gene: CDH1 (cadherin 1; plus strand). Cytogenetic location: 16q22.1.
Variant type: single nucleotide variant.
Coding change: c.1189A>G on transcript NM_004360.5 (MANE Select); coding-DNA position 1189, A replaced by G.
Protein change: p.Lys397Glu; replaces lysine 397 with glutamic acid.
Molecular consequence: missense variant. On other transcripts: 5 prime UTR variant (2), intron variant (1).
Genome position (GRCh38, 1-based): chr16:68,813,364, A>G. VCF-style: chr16-68813364-A-G. GRCh37 (hg19) VCF-style: chr16-68847267-A-G.
Other names: c.-427A>G (NM_001317185.2); c.-631A>G (NM_001317186.2); c.1137+1101A>G (NM_001317184.2); short protein forms K397E.
Identifiers: ClinVar variation 2694295 (VCV002694295.3), dbSNP rs1960892947, ClinGen allele CA396461229.